The following is an entry in ClinVar:

NM_000017.4(ACADS):c.161T>C (p.Phe54Ser)

Gene: ACADS (acyl-CoA dehydrogenase short chain; plus strand). Cytogenetic location: 12q24.31.
Variant type: single nucleotide variant.
Coding change: c.161T>C on transcript NM_000017.4 (MANE Select); coding-DNA position 161, T replaced by C.
Protein change: p.Phe54Ser; replaces phenylalanine 54 with serine.
Molecular consequence: missense variant.
Genome position (GRCh38, 1-based): chr12:120,727,140, T>C. VCF-style: chr12-120727140-T-C. GRCh37 (hg19) VCF-style: chr12-121164943-T-C.
Other names: c.161T>C, p.Phe54Ser (NM_001302554.2); short protein forms F54S.
Identifiers: ClinVar variation 1450232 (VCV001450232.11), dbSNP rs749775207, ClinGen allele CA6830773.

ClinVar aggregate classification (germline): Uncertain significance. Review status: criteria provided, multiple submitters, no conflicts (2 of 4 stars). 3 submissions from 3 submitters: Uncertain significance (3). Last evaluated 2026-08-06.

Conditions:
Deficiency of butyryl-CoA dehydrogenase (ACADSD). Also called: SCAD DEFICIENCY, MILD; ACYL-CoA DEHYDROGENASE, SHORT-CHAIN, DEFICIENCY OF; Short-Chain Acyl-CoA Dehydrogenase Deficiency; SCADH DEFICIENCY; SCAD Deficiency; ACADS DEFICIENCY. Identifiers: Orphanet 26792, MedGen C0342783, MONDO:0008722, OMIM 201470. Disease mechanism: May be benign.

Allele frequency attached by ClinVar (database versions not stated): gnomAD exomes below 0.00001 and 0.00002; ExAC 0.00002; gnomAD 0.00002; TOPMed 0.00003.
gnomAD v4.1: 14 of 1,613,998 alleles (0.00087%); highest among the groups gnomAD compares: Admixed American, 0.005%; no homozygotes.

Submissions (3):

OLLIN Analises Genomicas, OLLIN
Classification: Uncertain significance. Last evaluated: 2026-08-06. Review status: criteria provided, single submitter. Criteria: ACMG Guidelines 2015 PMID 25741868. Collection method: clinical testing. Allele origin: germline.
Comment: This missense variant, located in exon 2 (of 10), has been reported in ClinVar (accession VCV001450232.9) and in gnomAD with an allele frequency of 0.00087%. However, to our knowledge, it has not been reported in the scientific literature. In silico analysis predicts that this variant has a tolerated effect. According to the currently available evidence, this variant has been classified as uncertain significance (PM2_P, BP4).

Dasa
Classification: Uncertain significance. Last evaluated: 2025-08-15. Review status: criteria provided, single submitter. Criteria: DASA Assertion Criteria. Collection method: clinical testing. Allele origin: germline.
Comment: NM_000017.4(ACADS):c.161T>C (p.Phe54Ser) is a missense variant that results in the substitution of phenylalanine with serine. This variant has been observed in affected individuals with ACADS-related disorders. Also, this variant is rare in population databases. Computational prediction algorithms are consistent with a benign effect. The currently available literature and clinical evidence are not sufficient to establish a definitive association between this variant and the reported condition. Therefore, this variant is classified as a variant of uncertain significance.

Labcorp Genetics (formerly Invitae), Labcorp
Classification: Uncertain significance for Deficiency of butyryl-CoA dehydrogenase. Last evaluated: 2025-03-31. Review status: criteria provided, single submitter. Criteria: Invitae Variant Classification Sherloc (09022015). Collection method: clinical testing. Allele origin: germline.
Comment: This sequence change replaces phenylalanine, which is neutral and non-polar, with serine, which is neutral and polar, at codon 54 of the ACADS protein (p.Phe54Ser). This variant is present in population databases (rs749775207, gnomAD 0.006%). This variant has not been reported in the literature in individuals affected with ACADS-related conditions. ClinVar contains an entry for this variant (Variation ID: 1450232). Invitae Evidence Modeling of protein sequence and biophysical properties (such as structural, functional, and spatial information, amino acid conservation, physicochemical variation, residue mobility, and thermodynamic stability) indicates that this missense variant is expected to disrupt ACADS protein function with a positive predictive value of 95%. In summary, the available evidence is currently insufficient to determine the role of this variant in disease. Therefore, it has been classified as a Variant of Uncertain Significance.